The following is an entry in ClinVar:

NM_080680.3(COL11A2):c.3142G>A (p.Gly1048Ser)

Gene: COL11A2 (collagen type XI alpha 2 chain; minus strand). Cytogenetic location: 6p21.32.
Variant type: single nucleotide variant.
Coding change: c.3142G>A on transcript NM_080680.3 (MANE Select); coding-DNA position 3142, G replaced by A.
Protein change: p.Gly1048Ser; replaces glycine 1048 with serine.
Molecular consequence: missense variant.
Genome position (GRCh38, 1-based): chr6:33,171,721, C>T on the plus strand (G>A on the coding strand, the complement: COL11A2 is on the minus strand). VCF-style: chr6-33171721-C-T. GRCh37 (hg19) VCF-style: chr6-33139498-C-T.
Other names: c.2821G>A, p.Gly941Ser (NM_080679.3); c.2884G>A, p.Gly962Ser (NM_080681.3); short protein forms G1048S, G962S, G941S.
Identifiers: ClinVar variation 392807 (VCV000392807.5), dbSNP rs1057524643, ClinGen allele CA16605527.

ClinVar aggregate classification (germline): Conflicting classifications of pathogenicity. Review status: criteria provided, conflicting classifications (1 of 4 stars). 3 submissions from 3 submitters: Likely pathogenic (1); Uncertain significance (2). Last evaluated 2024-11-19.

Conditions:
Otospondylomegaepiphyseal dysplasia, autosomal recessive (OSMEDB). Also called: CHONDRODYSTROPHY WITH SENSORINEURAL DEAFNESS; Insley-Astley syndrome. Identifiers: Orphanet 1427, MedGen CN034493, MONDO:0044206, OMIM 215150.
Autosomal recessive nonsyndromic hearing loss 53. Identifiers: Orphanet 90636, MedGen C1864746, MONDO:0012333, OMIM 609706.
Autosomal dominant nonsyndromic hearing loss 13. Identifiers: Orphanet 90635, MedGen C1866095, MONDO:0011159, OMIM 601868.
Otospondylomegaepiphyseal dysplasia, autosomal dominant (OSMEDA). Also called: COL11A2-Related Stickler Syndrome; Stickler syndrome, type 3; Pierre Robin syndrome with fetal chondrodysplasia. Identifiers: Orphanet 166100, Orphanet 3450, MedGen C1848488, MONDO:0008490, OMIM 184840.
Fibrochondrogenesis 2 (FBCG2). Identifiers: Orphanet 2021, MedGen C3281128, MONDO:0013795, OMIM 614524.

Submissions (3):

Labcorp Genetics (formerly Invitae), Labcorp
Classification: Uncertain significance. Last evaluated: 2024-11-19. Review status: criteria provided, single submitter. Criteria: Invitae Variant Classification Sherloc (09022015). Collection method: clinical testing. Allele origin: germline.
Comment: This sequence change replaces glycine, which is neutral and non-polar, with serine, which is neutral and polar, at codon 1048 of the COL11A2 protein (p.Gly1048Ser). This variant is not present in population databases (gnomAD no frequency). This variant has not been reported in the literature in individuals affected with COL11A2-related conditions. ClinVar contains an entry for this variant (Variation ID: 392807). Invitae Evidence Modeling of protein sequence and biophysical properties (such as structural, functional, and spatial information, amino acid conservation, physicochemical variation, residue mobility, and thermodynamic stability) indicates that this missense variant is expected to disrupt COL11A2 protein function with a positive predictive value of 95%. In summary, the available evidence is currently insufficient to determine the role of this variant in disease. Therefore, it has been classified as a Variant of Uncertain Significance.

Fulgent Genetics
Classification: Likely pathogenic for Otospondylomegaepiphyseal dysplasia, autosomal dominant; Otospondylomegaepiphyseal dysplasia, autosomal recessive; Autosomal dominant nonsyndromic hearing loss 13; Autosomal recessive nonsyndromic hearing loss 53; Fibrochondrogenesis 2. Last evaluated: 2024-03-04. Review status: criteria provided, single submitter. Criteria: ACMG Guidelines, 2015. Collection method: clinical testing. Allele origin: germline.

GeneDx
Classification: Uncertain significance. Last evaluated: 2018-03-28. Review status: criteria provided, single submitter. Criteria: GeneDx Variant Classification (06012015). Collection method: clinical testing. Allele origin: germline. Affected: yes.
Comment: A variant of uncertain significance has been identified in the COL11A2 gene. The G1048S variant has not been published as a pathogenic variant or been reported as a benign variant to our knowledge. This variant was not observed in the Exome Aggregation Consortium or in approximately 4,200 individuals of European and African American ancestry in the NHLBI Exome Sequencing Project, indicating it is not a common benign variant in these populations. The G1048S variant is a non-conservative amino acid substitution, which is likely to impact secondary protein structure as these residues differ in polarity, charge, size and/or other properties. Additionally, this substitution occurs at a position that is conserved across species. Furthermore, in silico analysis predicts this variant is probably damaging to the protein structure/function. Nevertheless, no missense variants in nearby residues have been reported in the Human Gene Mutation Database in association with disease (Stenson et al., 2014), indicating that this region of the gene is not known to harbor disease-causing variants.